The following is an entry in ClinVar:

NM_001220.5(CAMK2B):c.901A>G (p.Lys301Glu)

Gene: CAMK2B (calcium/calmodulin dependent protein kinase II beta; minus strand). Cytogenetic location: 7p13.
Variant type: single nucleotide variant.
Coding change: c.901A>G on transcript NM_001220.5 (MANE Select); coding-DNA position 901, A replaced by G.
Protein change: p.Lys301Glu; replaces lysine 301 with glutamic acid.
Molecular consequence: missense variant.
Genome position (GRCh38, 1-based): chr7:44,241,702, T>C on the plus strand (A>G on the coding strand, the complement: CAMK2B is on the minus strand). VCF-style: chr7-44241702-T-C. GRCh37 (hg19) VCF-style: chr7-44281301-T-C.
Other names: c.901A>G, p.Lys301Glu (NM_001293170.2, NM_172078.3, NM_172079.3 and 5 more transcripts); short protein forms K301E.
Identifiers: ClinVar variation 430925 (VCV000430925.7), dbSNP rs1554385111, ClinGen allele CA367363495.

ClinVar aggregate classification (germline): Pathogenic/Likely pathogenic. Review status: criteria provided, multiple submitters, no conflicts (2 of 4 stars). 4 submissions from 4 submitters: Pathogenic (1); Likely pathogenic (1). 2 of the submissions do not count toward it. Last evaluated 2026-02-20.

Conditions:
Intellectual disability. Also called: Intellectual functioning disability; Intellectual developmental disorder; intellectual disabilities. Identifiers: MedGen C3714756, MeSH D008607, MONDO:0001071, HP:0001249.
Intellectual developmental disorder, autosomal dominant 54. Also called: Intellectual disability, autosomal dominant 54; MENTAL RETARDATION, AUTOSOMAL DOMINANT 54. Identifiers: MedGen C4540484, MONDO:0030920, OMIM 617799.
Inborn genetic diseases. Identifiers: MedGen C0950123, MeSH D030342.

Submissions (4):

Ambry Genetics
Classification: Likely pathogenic for Inborn genetic diseases. Last evaluated: 2026-02-20. Review status: criteria provided, single submitter. Criteria: Ambry Variant Classification Scheme 2023. Collection method: clinical testing. Allele origin: germline.
Comment: The c.901A>G (p.K301E) alteration is located in coding exon 11 of the CAMK2B gene. This alteration results from an A to G substitution at nucleotide position 901, causing the lysine (K) at amino acid position 301 to be replaced by a glutamic acid (E). This variant was not reported in population-based cohorts in the Genome Aggregation Database (gnomAD). This amino acid position is highly conserved in available vertebrate species. This missense variant is located in a region that has a low rate of benign missense variation (Lek, 2016; Firth, 2009). In multiple assays testing CAMK2B function, this variant showed functionally abnormal results (K&uuml;ry, 2017). The in silico prediction for this alteration is inconclusive. Based on the available evidence, this alteration is classified as likely pathogenic.

GeneDx
Classification: Pathogenic. Last evaluated: 2024-02-12. Review status: criteria provided, single submitter. Criteria: GeneDx Variant Classification Process June 2021. Collection method: clinical testing. Allele origin: germline. Affected: yes.
Comment: Published functional studies demonstrate impaired neuronal migration when expressed in developing mouse brains, as well as reduced pT286/287 phosphorylation when expressed in HEK293T cells (PMID: 29100089); In silico analysis supports that this missense variant has a deleterious effect on protein structure/function; Not observed at significant frequency in large population cohorts (gnomAD); This variant is associated with the following publications: (PMID: 29100089)

OMIM
Classification: Pathogenic for INTELLECTUAL DEVELOPMENTAL DISORDER, AUTOSOMAL DOMINANT 54. Last evaluated: 2022-04-28. Review status: no assertion criteria provided. Collection method: literature only. Allele origin: germline. Not counted in ClinVar's aggregate classification.

Laboratory of Molecular Genetics (Pr. Bezieau's lab), CHU de Nantes
Classification: Pathogenic for Intellectual disability. Last evaluated: 2017-07-03. Review status: no assertion criteria provided. Collection method: research. Allele origin: de novo. Affected: yes. Observed: 1 variant allele. Not counted in ClinVar's aggregate classification.

Literature cited by the submitters: PubMed 29100089 (cited by 3 submitters).